The following is an entry in ClinVar:

NC_000019.9:g.(?_55663202)_(55668957_?)dup

Gene: TNNI3 (troponin I3, cardiac type; minus strand). Cytogenetic location: 19q13.42.
Variant type: Duplication.
Identifiers: ClinVar variation 2422964 (VCV002422964.3).

ClinVar aggregate classification (germline): Uncertain significance (1 of 4 stars; one submission).

Conditions:
Hypertrophic cardiomyopathy. Also called: HYPERTROPHIC MYOCARDIOPATHY. Identifiers: Orphanet 217569, MedGen C0007194, MeSH D002312, MONDO:0005045, HP:0001639.

Submission:

Labcorp Genetics (formerly Invitae), Labcorp
Classification: Uncertain significance for Hypertrophic cardiomyopathy. Last evaluated: 2022-10-14. Review status: criteria provided, single submitter. Criteria: Invitae Variant Classification Sherloc (09022015). Collection method: clinical testing. Allele origin: germline.
Comment: A copy number gain of the genomic region encompassing the full coding sequence of the TNNI3 gene has been identified. The boundaries of this event are unknown as they extend beyond the assayed region for this gene and therefore may encompass additional genes. As the precise location of this event is unknown, it may be in tandem or it may be located elsewhere in the genome. This variant has not been reported in the literature in individuals affected with TNNI3-related conditions. In summary, the available evidence is currently insufficient to determine the role of this variant in disease. Therefore, it has been classified as a Variant of Uncertain Significance.